The following is an entry in ClinVar:

ClinVar aggregate classification (germline): Uncertain significance (1 of 4 stars; one submission).

Conditions:
Metachromatic leukodystrophy (MLD). Also called: ARSA DEFICIENCY; CEREBROSIDE SULFATASE DEFICIENCY; METACHROMATIC LEUKOENCEPHALOPATHY; Cerebral sclerosis diffuse metachromatic form; Arylsulfatase A Deficiency; SULFATIDE LIPIDOSIS. Identifiers: Orphanet 512, MedGen C0023522, MONDO:0018868, OMIM 250100.

Submission:

Myriad Genetics, Inc.
Classification: Uncertain significance for Metachromatic leukodystrophy. Last evaluated: 2026-07-22. Review status: criteria provided, single submitter. Criteria: Myriad Autosomal Dominant, Autosomal Recessive and X-Linked Classification Criteria (2023). Collection method: clinical testing. Allele origin: unknown.
Comment: NM_000487.5(ARSA):c.30_32delCCT(L11del) is an in-frame deletion classified as a variant of uncertain significance in the context of metachromatic leukodystrophy. L11del has not been observed in cases with relevant disease. Relevant functional assessments of this variant are not available in the literature. L11del has not been observed in referenced population frequency databases. In summary, there is insufficient evidence to classify NM_000487.5(ARSA):c.30_32delCCT(L11del) as pathogenic or benign. Please note: this variant was assessed in the context of healthy population screening.

NM_000487.6(ARSA):c.24CCT[2] (p.Leu11del)

Gene: ARSA (arylsulfatase A; minus strand). Cytogenetic location: 22q13.33.
Variant type: Microsatellite.
Coding change: c.24CCT[2] on transcript NM_000487.6 (MANE Select); two copies in a row of the 3-base unit CCT starting at c.24; the reference has three copies in a row; one copy, 3 bases deleted.
Protein change: p.Leu11del; deletes leucine 11.
Molecular consequence: inframe deletion. On other transcripts: intron variant (2).
Genome position (GRCh38, 1-based): chr22:50,627,748-50,627,750, AGG deleted on the plus strand (CCT on the coding strand, the reverse complement: ARSA is on the minus strand); deleting any 3 consecutive bases within chr22:50,627,748-50,627,756 gives the same sequence; the position shown is the placement nearest the transcript's 3' end. VCF-style (leftmost placement, unchanged base first): chr22-50627747-CAGG-C. GRCh37 (hg19) VCF-style: chr22-51066175-CAGG-C.
Other names: c.24CCT[2], p.Leu11del (NM_001085425.3, NM_001085426.3, NM_001085427.3); c.-35+235CCT[2] (NM_001362782.2); c.-35+190CCT[2] (NM_001085428.3); short protein forms L11del.
Identifiers: ClinVar variation 5004799 (VCV005004799.1).
Genomic context (GRCh38, chr22:50,627,747, plus strand): 5'-GTCGGCAAAGATCAGCACGATGTTGGGCGGACGGGCAACGGCCAGGCCAGCAGCCAGGGC[CAGG>C]AGGAGGGACCGCGGTGCCCCCATGGACATGGGACCGAGGGGTCTGTCCCAAGAGAGGGAG-3'